The following is an entry in ClinVar:

NM_001354930.2(RIPK1):c.709T>C (p.Leu237=)

Gene: RIPK1 (receptor interacting serine/threonine kinase 1; plus strand). Cytogenetic location: 6p25.2.
Variant type: single nucleotide variant.
Coding change: c.709T>C on transcript NM_001354930.2 (MANE Select); coding-DNA position 709, T replaced by C.
Protein change: p.Leu237=; no amino-acid change (leucine 237 retained).
Molecular consequence: synonymous variant.
Genome position (GRCh38, 1-based): chr6:3,085,279, T>C. VCF-style: chr6-3085279-T-C. GRCh37 (hg19) VCF-style: chr6-3085513-T-C.
Other names: p.Leu237=; c.220T>C, p.Leu74= (NM_001317061.3, NM_001354932.2, NM_001354933.2 and 1 more transcripts); c.571T>C, p.Leu191= (NM_001354931.2); c.709T>C, p.Leu237= (NM_003804.6); c.709T>C (NM_003804.4).
Identifiers: ClinVar variation 1166691 (VCV001166691.13), dbSNP rs17548390, ClinGen allele CA3618273.

ClinVar aggregate classification (germline): Benign. Review status: criteria provided, multiple submitters, no conflicts (2 of 4 stars). 4 submissions from 4 submitters: Benign (3). 1 of the submissions does not count toward it. Last evaluated 2026-03-31.

Conditions:
RIPK1-related disorder. Also called: RIPK1-related condition.

Allele frequency attached by ClinVar (database versions not stated): gnomAD exomes 0.00078 and 0.00196; ExAC 0.00255; gnomAD 0.00775 and 0.00819; 1000 Genomes Project 0.00799; 1000 Genomes Project 30x 0.00843; TOPMed 0.00854; ESP Exome Variant Server 0.00877.
gnomAD v4.1: 2,373 of 1,614,212 alleles (0.15%); highest among the groups gnomAD compares: African/African-American, 2.7%; 29 homozygotes.

Submissions (4):

Women's Health and Genetics/Laboratory Corporation of America, LabCorp
Classification: Benign. Last evaluated: 2026-03-31. Review status: criteria provided, single submitter. Criteria: LabCorp Variant Classification Summary - May 2015. Collection method: clinical testing. Allele origin: germline.

Labcorp Genetics (formerly Invitae), Labcorp
Classification: Benign. Last evaluated: 2026-02-01. Review status: criteria provided, single submitter. Criteria: Invitae Variant Classification Sherloc (09022015). Collection method: clinical testing. Allele origin: germline.

Mayo Clinic Laboratories, Mayo Clinic
Classification: Benign. Last evaluated: 2023-12-29. Review status: criteria provided, single submitter. Criteria: ACMG Guidelines, 2015. Collection method: clinical testing. Allele origin: germline. Observed: 4 variant alleles.
Comment: BS1, BS2, BP4, BP7

PreventionGenetics, part of Exact Sciences
Classification: Benign for RIPK1-related condition. Last evaluated: 2019-02-21. Review status: no assertion criteria provided. Collection method: clinical testing. Allele origin: germline. Not counted in ClinVar's aggregate classification.
Comment: This variant is classified as benign based on ACMG/AMP sequence variant interpretation guidelines (Richards et al. 2015 PMID: 25741868, with internal and published modifications).